The following is an entry in ClinVar:

ClinVar aggregate classification (germline): Benign. Review status: criteria provided, multiple submitters, no conflicts (2 of 4 stars). 4 submissions from 4 submitters: Benign (2). 2 of the submissions do not count toward it. Last evaluated 2026-02-03.

Conditions:
ANK3-related disorder. Also called: ANK3-related condition.

Allele frequency attached by ClinVar (database versions not stated): gnomAD exomes 0.09700 and 0.08435; ESP Exome Variant Server 0.13048; 1000 Genomes Project 0.08746; 1000 Genomes Project 30x 0.09213; TOPMed 0.12153; ExAC 0.08934; gnomAD 0.11786 and 0.12356.
gnomAD v4.1: 159,137 of 1,609,598 alleles (9.9%); highest among the groups gnomAD compares: African/African-American, 18%; 8,939 homozygotes.

Submissions (4):

Labcorp Genetics (formerly Invitae), Labcorp
Classification: Benign. Last evaluated: 2026-02-03. Review status: criteria provided, single submitter. Criteria: Invitae Variant Classification Sherloc (09022015). Collection method: clinical testing. Allele origin: germline.

Breakthrough Genomics
Classification: Benign. Review status: criteria provided, single submitter. Criteria: ACMG Guidelines, 2015. Collection method: not provided. Allele origin: germline. Inheritance: Autosomal recessive inheritance. Affected: yes.

PreventionGenetics, part of Exact Sciences
Classification: Benign for ANK3-related condition. Last evaluated: 2019-11-07. Review status: no assertion criteria provided. Collection method: clinical testing. Allele origin: germline. Not counted in ClinVar's aggregate classification.
Comment: This variant is classified as benign based on ACMG/AMP sequence variant interpretation guidelines (Richards et al. 2015 PMID: 25741868, with internal and published modifications).

Genetic Services Laboratory, University of Chicago
Classification: Likely benign for AllHighlyPenetrant. Review status: no assertion criteria provided. Collection method: clinical testing. Allele origin: germline. Inheritance: Autosomal recessive inheritance. Not counted in ClinVar's aggregate classification.
Comment: Likely benign based on allele frequency in 1000 Genomes Project or ESP global frequency and its presence in a patient with a rare or unrelated disease phenotype. NOT Sanger confirmed.

NM_020987.5(ANK3):c.4201-3T>C

Gene: ANK3 (ankyrin 3; minus strand). Cytogenetic location: 10q21.2.
Variant type: single nucleotide variant.
Coding change: c.4201-3T>C on transcript NM_020987.5 (MANE Select); 3 bases into the intron before coding-DNA position 4201, T replaced by C.
Molecular consequence: intron variant.
Genome position (GRCh38, 1-based): chr10:60,082,740, A>G on the plus strand (T>C on the coding strand, the complement: ANK3 is on the minus strand). VCF-style: chr10-60082740-A-G. GRCh37 (hg19) VCF-style: chr10-61842498-A-G.
Other names: c.4183-3T>C (NM_001204403.2); c.4204-3T>C (NM_001204404.2); c.4201-3T>C (NM_001320874.2, NM_020987.4); c.1603-3T>C (NM_001149.4).
Identifiers: ClinVar variation 128371 (VCV000128371.17), dbSNP rs2393595, ClinGen allele CA151793.